The following is an entry in ClinVar:

ClinVar aggregate classification (germline): Uncertain significance. Review status: criteria provided, multiple submitters, no conflicts (2 of 4 stars). 4 submissions from 4 submitters: Uncertain significance (4). Last evaluated 2025-05-01.

Conditions:
Idiopathic generalized epilepsy. Also called: Generalised epilepsy; EIG. Identifiers: MedGen C0270850, MONDO:0005579, OMIM 600669.
Hyperaldosteronism, familial, type IV (HALD4). Also called: FH IV; ALDOSTERONISM, PRIMARY, AND HYPERTENSION. Identifiers: Orphanet 642671, MedGen C4310756, MONDO:0014875, OMIM 617027.
Epilepsy, childhood absence, susceptibility to, 6. Identifiers: Orphanet 64280, MedGen C2749872, MONDO:0012763, OMIM 611942.

Allele frequency attached by ClinVar (database versions not stated): 1000 Genomes Project 30x 0.00031.
gnomAD v4.1: 31 of 1,554,330 alleles (0.002%); highest among the groups gnomAD compares: East Asian, 0.0049%; no homozygotes.

Submissions (4):

CeGaT Center for Human Genetics Tuebingen
Classification: Uncertain significance. Last evaluated: 2025-05-01. Review status: criteria provided, single submitter. Criteria: CeGaT Center For Human Genetics Tuebingen Variant Classification Criteria Version 2. Collection method: clinical testing. Allele origin: germline. Affected: yes. Observed: 1 variant allele.
Comment: CACNA1H: PM2:Supporting, PS3:Supporting, PS4:Supporting

Labcorp Genetics (formerly Invitae), Labcorp
Classification: Uncertain significance for Idiopathic generalized epilepsy; Hyperaldosteronism, familial, type IV. Last evaluated: 2024-07-22. Review status: criteria provided, single submitter. Criteria: Invitae Variant Classification Sherloc (09022015). Collection method: clinical testing. Allele origin: germline.
Comment: This sequence change replaces arginine, which is basic and polar, with tryptophan, which is neutral and slightly polar, at codon 1282 of the CACNA1H protein (p.Arg1282Trp). The frequency data for this variant in the population databases is considered unreliable, as metrics indicate poor data quality at this position in the gnomAD database. This missense change has been observed in individual(s) with primary generalized epilepsy (PMID: 31651342). ClinVar contains an entry for this variant (Variation ID: 1437303). An algorithm developed to predict the effect of missense changes on protein structure and function (PolyPhen-2) suggests that this variant is likely to be tolerated. Experimental studies have shown that this missense change affects CACNA1H function (PMID: 31651342). In summary, the available evidence is currently insufficient to determine the role of this variant in disease. Therefore, it has been classified as a Variant of Uncertain Significance.

Fulgent Genetics
Classification: Uncertain significance for Epilepsy, childhood absence, susceptibility to, 6; Hyperaldosteronism, familial, type IV. Last evaluated: 2024-01-30. Review status: criteria provided, single submitter. Criteria: ACMG Guidelines, 2015. Collection method: clinical testing. Allele origin: germline.

Juno Genomics, Hangzhou Juno Genomics, Inc
Classification: Uncertain significance for Epilepsy, childhood absence, susceptibility to, 6; Hyperaldosteronism, familial, type IV. Review status: criteria provided, single submitter. Criteria: ACMG Guidelines, 2015. Collection method: clinical testing. Allele origin: germline.
Comment: Absent from controls (or at extremely low frequency if recessive) in Genome Aggregation Database.

Literature cited by the submitters: PubMed 31651342 (cited by Labcorp Genetics (formerly Invitae), Labcorp).

NM_021098.3(CACNA1H):c.3844C>T (p.Arg1282Trp)

Gene: CACNA1H (calcium voltage-gated channel subunit alpha1 H; plus strand). Cytogenetic location: 16p13.3.
Variant type: single nucleotide variant.
Coding change: c.3844C>T on transcript NM_021098.3 (MANE Select); coding-DNA position 3844, C replaced by T.
Protein change: p.Arg1282Trp; replaces arginine 1282 with tryptophan.
Molecular consequence: missense variant.
Genome position (GRCh38, 1-based): chr16:1,210,134, C>T. VCF-style: chr16-1210134-C-T. GRCh37 (hg19) VCF-style: chr16-1260134-C-T.
Other names: c.3844C>T, p.Arg1282Trp (NM_001005407.2); short protein forms R1282W.
Identifiers: ClinVar variation 1437303 (VCV001437303.19), dbSNP rs763465373, ClinGen allele CA7800946.